The following is an entry in ClinVar:

ClinVar aggregate classification (germline): Uncertain significance (1 of 4 stars; one submission).

Submission:

GeneDx
Classification: Uncertain significance. Last evaluated: 2026-01-20. Review status: criteria provided, single submitter. Criteria: GeneDx Variant Classification Process June 2021. Collection method: clinical testing. Allele origin: germline.
Comment: Not observed at significant frequency in large population cohorts (gnomAD); Nonsense variant predicted to result in protein truncation or nonsense mediated decay in a gene or region of a gene for which loss of function is not a well-established mechanism of disease; Has not been previously published as pathogenic or benign to our knowledge

NM_003184.4(TAF2):c.1984C>T (p.Gln662Ter)

Gene: TAF2 (TATA-box binding protein associated factor 2; minus strand). Cytogenetic location: 8q24.12.
Variant type: single nucleotide variant.
Coding change: c.1984C>T on transcript NM_003184.4 (MANE Select); coding-DNA position 1984, C replaced by T.
Protein change: p.Gln662Ter; replaces glutamine 662 with a stop codon.
Molecular consequence: nonsense.
Genome position (GRCh38, 1-based): chr8:119,783,509, G>A on the plus strand (C>T on the coding strand, the complement: TAF2 is on the minus strand). VCF-style: chr8-119783509-G-A. GRCh37 (hg19) VCF-style: chr8-120795749-G-A.
Other names: c.1984C>T, p.Gln662Ter (NM_001437338.1, NM_001437339.1, NM_001438084.1); short protein forms Q662*.
Identifiers: ClinVar variation 4082985 (VCV004082985.2).